The following is an entry in ClinVar:

NM_001267550.2(TTN):c.90628G>A (p.Val30210Met)

Genes: TTN (titin; minus strand), TTN-AS1 (TTN antisense RNA 1; plus strand). Cytogenetic location: 2q31.2.
Variant type: single nucleotide variant.
Coding change: c.90628G>A on transcript NM_001267550.2 (MANE Select); coding-DNA position 90628, G replaced by A.
Protein change: p.Val30210Met; replaces valine 30210 with methionine.
Molecular consequence: missense variant.
Genome position (GRCh38, 1-based): chr2:178,552,272, C>T on the plus strand (G>A on the coding strand, the complement: TTN is on the minus strand). VCF-style: chr2-178552272-C-T. GRCh37 (hg19) VCF-style: chr2-179416999-C-T.
Other names: p.V28569M:GTG>ATG; c.85705G>A, p.Val28569Met (NM_001256850.1); c.63433G>A, p.Val21145Met (NM_003319.4); c.82924G>A, p.Val27642Met (NM_133378.4); c.63808G>A, p.Val21270Met (NM_133432.3); c.64009G>A, p.Val21337Met (NM_133437.4); short protein forms V28569M, V30210M, V27642M, V21145M, V21337M, V21270M.
Identifiers: ClinVar variation 202968 (VCV000202968.2), dbSNP rs753025017, ClinGen allele CA310840.
Genomic context (GRCh38, chr2:178,552,272, plus strand): 5'-CTTTGGGCTTTGATGGTGGGCCAAGGGTGATGACTGTAATGGGGACTGCAATTCTACACA[C>T]TGCATTATCAAGAATAACAGTGTATTTTCCTCCATGCTCCTTCTTGGCATTCTTAATACT-3'
Protein context (NP_001254479.2, residues 30200-30220): GKYTVILDNA[Val30210Met]CRIAVPITVI

ClinVar aggregate classification (germline): Uncertain significance (1 of 4 stars; one submission).

Allele frequency attached by ClinVar (database versions not stated): TOPMed below 0.00001; ExAC 0.00001; gnomAD 0.00001; gnomAD exomes 0.00002.
gnomAD v4.1: 33 of 1,613,456 alleles (0.002%); highest among the groups gnomAD compares: Non-Finnish European, 0.0028%; no homozygotes.

Submission:

GeneDx
Classification: Uncertain significance. Last evaluated: 2014-10-31. Review status: criteria provided, single submitter. Criteria: GeneDx Variant Classification (06012015). Collection method: clinical testing. Allele origin: germline. Affected: yes.
Comment: Missense variants in the TTN gene are considered 'unclassified' if they are not previously reported in the literature and do not have >1% frequency in the population to be considered a polymorphism. Research indicates that truncating mutations in the TTN gene are expected to account for approximately 25% of familial and 18% of sporadic idiopathic DCM; however, truncating variants in the TTN gene have been reported in approximately 3% of reported control alleles. There has been little investigation into non-truncating variants. (Herman D et al. Truncations of titin causing dilated cardiomyopathy. N Eng J Med 366:619-628, 2012) The variant is found in CARDIOMYOPATHY panel(s).